The following is an entry in ClinVar:

ClinVar aggregate classification (germline): Uncertain significance. Review status: criteria provided, multiple submitters, no conflicts (2 of 4 stars). 2 submissions from 2 submitters: Uncertain significance (2). Last evaluated 2023-07-21.

Conditions:
Meckel syndrome, type 11 (MKS11). Identifiers: Orphanet 564, MedGen C3809352, MONDO:0014164, OMIM 615397.
Joubert syndrome 20 (JBTS20). Identifiers: Orphanet 475, MedGen C3554235, MONDO:0013994, OMIM 614970.

Allele frequency attached by ClinVar (database versions not stated): gnomAD 0.00002 and 0.00003; TOPMed 0.00006.
gnomAD v4.1: 97 of 1,603,886 alleles (0.006%); highest among the groups gnomAD compares: Middle Eastern, 0.016%; no homozygotes.

Submissions (2):

Labcorp Genetics (formerly Invitae), Labcorp
Classification: Uncertain significance for Joubert syndrome 20; Meckel syndrome, type 11. Last evaluated: 2023-07-21. Review status: criteria provided, single submitter. Criteria: Invitae Variant Classification Sherloc (09022015). Collection method: clinical testing. Allele origin: germline.
Comment: In summary, the available evidence is currently insufficient to determine the role of this variant in disease. Therefore, it has been classified as a Variant of Uncertain Significance. Experimental studies and prediction algorithms are not available or were not evaluated, and the functional significance of this variant is currently unknown. ClinVar contains an entry for this variant (Variation ID: 1219159). This variant has not been reported in the literature in individuals affected with TMEM231-related conditions. This variant is present in population databases (rs771783989, gnomAD 0.009%). This sequence change replaces glutamic acid, which is acidic and polar, with glutamine, which is neutral and polar, at codon 109 of the TMEM231 protein (p.Glu109Gln).

GeneDx
Classification: Uncertain significance. Last evaluated: 2020-12-07. Review status: criteria provided, single submitter. Criteria: GeneDx Variant Classification Process June 2021. Collection method: clinical testing. Allele origin: germline. Affected: yes.
Comment: Not observed at a significant frequency in large population cohorts (Lek et al., 2016); In silico analysis supports that this missense variant does not alter protein structure/function; Has not been previously published as pathogenic or benign to our knowledge

NM_001077418.3(TMEM231):c.166G>C (p.Glu56Gln)

Genes: TMEM231 (transmembrane protein 231; minus strand), LOC130059440 (ATAC-STARR-seq lymphoblastoid silent region 7724; plus strand). Cytogenetic location: 16q23.1.
Variant type: single nucleotide variant.
Coding change: c.166G>C on transcript NM_001077418.3 (MANE Select); coding-DNA position 166, G replaced by C.
Protein change: p.Glu56Gln; replaces glutamic acid 56 with glutamine.
Molecular consequence: missense variant. On other transcripts: non-coding transcript variant (1).
Genome position (GRCh38, 1-based): chr16:75,555,947, C>G on the plus strand (G>C on the coding strand, the complement: TMEM231 is on the minus strand). VCF-style: chr16-75555947-C-G. GRCh37 (hg19) VCF-style: chr16-75589845-C-G.
Other names: c.325G>C, p.Glu109Gln (NM_001077416.2); short protein forms E109Q, E56Q.
Identifiers: ClinVar variation 1219159 (VCV001219159.7), dbSNP rs771783989, ClinGen allele CA8176271.